The following is an entry in ClinVar:

NM_002225.5(IVD):c.225del (p.Asn76fs)

Gene: IVD (isovaleryl-CoA dehydrogenase; plus strand). Cytogenetic location: 15q15.1.
Variant type: Deletion.
Coding change: c.225del on transcript NM_002225.5 (MANE Select); coding-DNA position 225, one base deleted (G; older notation c.225delG).
Protein change: p.Asn76fs; shifts the reading frame from asparagine 76.
Molecular consequence: frameshift variant. On other transcripts: non-coding transcript variant (1), intron variant (1).
Genome position (GRCh38, 1-based): chr15:40,407,716, G deleted. VCF-style (leftmost placement, unchanged base first): chr15-40407715-AG-A. GRCh37 (hg19) VCF-style: chr15-40699916-AG-A.
Other names: c.177del, p.Asn60fs (NM_001354597.3); c.225del, p.Asn76fs (NM_001354598.3, NM_001354599.3, NM_001354600.3 and 1 more transcripts); c.145-223del (NM_001159508.3); short protein forms N60fs, N76fs.
Identifiers: ClinVar variation 1453786 (VCV001453786.6), dbSNP rs2141302044, ClinGen allele CA2573150691.

ClinVar aggregate classification (germline): Pathogenic (1 of 4 stars; one submission).

Conditions:
Isovaleryl-CoA dehydrogenase deficiency (IVA). Also called: Isovaleric acidemia; Classic Isovaleric Acidemia; ISOVALERIC ACID CoA DEHYDROGENASE DEFICIENCY; IVD DEFICIENCY. Identifiers: Orphanet 33, MedGen C0268575, MONDO:0009475, OMIM 243500.

Submission:

Labcorp Genetics (formerly Invitae), Labcorp
Classification: Pathogenic for Isovaleryl-CoA dehydrogenase deficiency. Last evaluated: 2021-05-05. Review status: criteria provided, single submitter. Criteria: Invitae Variant Classification Sherloc (09022015). Collection method: clinical testing. Allele origin: germline.
Comment: For these reasons, this variant has been classified as Pathogenic. This variant has not been reported in the literature in individuals with IVD-related conditions. This variant is not present in population databases (ExAC no frequency). This sequence change creates a premature translational stop signal (p.Asn79Thrfs*36) in the IVD gene. It is expected to result in an absent or disrupted protein product. Loss-of-function variants in IVD are known to be pathogenic (PMID: 16602101).

Literature cited by the submitters: PubMed 16602101.